The following is an entry in ClinVar:

ClinVar aggregate classification (germline): Uncertain significance (1 of 4 stars; one submission).

Submission:

Labcorp Genetics (formerly Invitae), Labcorp
Classification: Uncertain significance. Last evaluated: 2022-07-08. Review status: criteria provided, single submitter. Criteria: Invitae Variant Classification Sherloc (09022015). Collection method: clinical testing. Allele origin: germline.
Comment: This sequence change replaces alanine, which is neutral and non-polar, with glycine, which is neutral and non-polar, at codon 759 of the ARMC9 protein (p.Ala759Gly). This variant is not present in population databases (gnomAD no frequency). This variant has not been reported in the literature in individuals affected with ARMC9-related conditions. Experimental studies and prediction algorithms are not available or were not evaluated, and the functional significance of this variant is currently unknown. In summary, the available evidence is currently insufficient to determine the role of this variant in disease. Therefore, it has been classified as a Variant of Uncertain Significance.

NM_001352754.2(ARMC9):c.2276C>G (p.Ala759Gly)

Gene: ARMC9 (armadillo repeat containing 9; plus strand). Cytogenetic location: 2q37.1.
Variant type: single nucleotide variant.
Coding change: c.2276C>G on transcript NM_001352754.2 (MANE Select); coding-DNA position 2276, C replaced by G.
Protein change: p.Ala759Gly; replaces alanine 759 with glycine.
Molecular consequence: missense variant.
Genome position (GRCh38, 1-based): chr2:231,369,967, C>G. VCF-style: chr2-231369967-C-G. GRCh37 (hg19) VCF-style: chr2-232234678-C-G.
Other names: c.2276C>G, p.Ala759Gly (NM_001271466.4); short protein forms A759G.
Identifiers: ClinVar variation 2059063 (VCV002059063.4), dbSNP rs896499642, ClinGen allele CA66863857.
Genomic context (GRCh38, chr2:231,369,967, plus strand): 5'-CTAATGCTGTAGTAGCTGGGACTCCAGGTTGCACGTTTTGTTCTAGGGAATGTGCATCAG[C>G]CTTCACCTGCAAGCCCCGGGCCCCCTGCACTCCAGAGATGCTGGACTGGAACCCACCCAA-3'
Protein context (NP_001339683.2, residues 749-769): NGVTTRECAS[Ala759Gly]FTCKPRAPCT